The following is an entry in ClinVar:

ClinVar aggregate classification (germline): Uncertain significance. Review status: criteria provided, multiple submitters, no conflicts (2 of 4 stars). 2 submissions from 2 submitters: Uncertain significance (2). Last evaluated 2024-10-19.

Conditions:
Inborn genetic diseases. Identifiers: MedGen C0950123, MeSH D030342.

Allele frequency attached by ClinVar (database versions not stated): ESP Exome Variant Server 0.00016; gnomAD 0.00016; TOPMed 0.00020.
gnomAD v4.1: 127 of 1,613,830 alleles (0.0079%); highest among the groups gnomAD compares: African/African-American, 0.047%; no homozygotes.

Submissions (2):

Ambry Genetics
Classification: Uncertain significance for Inborn genetic diseases. Last evaluated: 2024-10-19. Review status: criteria provided, single submitter. Criteria: Ambry Variant Classification Scheme 2023. Collection method: clinical testing. Allele origin: germline.

Labcorp Genetics (formerly Invitae), Labcorp
Classification: Uncertain significance. Last evaluated: 2022-10-18. Review status: criteria provided, single submitter. Criteria: Invitae Variant Classification Sherloc (09022015). Collection method: clinical testing. Allele origin: germline.
Comment: This sequence change replaces isoleucine, which is neutral and non-polar, with threonine, which is neutral and polar, at codon 4635 of the HERC1 protein (p.Ile4635Thr). This variant is present in population databases (rs374269292, gnomAD 0.05%). This variant has not been reported in the literature in individuals affected with HERC1-related conditions. Advanced modeling of protein sequence and biophysical properties (such as structural, functional, and spatial information, amino acid conservation, physicochemical variation, residue mobility, and thermodynamic stability) performed at Invitae indicates that this missense variant is not expected to disrupt HERC1 protein function. In summary, the available evidence is currently insufficient to determine the role of this variant in disease. Therefore, it has been classified as a Variant of Uncertain Significance.

NM_003922.4(HERC1):c.13904T>C (p.Ile4635Thr)

Gene: HERC1 (HECT and RLD domain containing E3 ubiquitin protein ligase family member 1; minus strand). Cytogenetic location: 15q22.31.
Variant type: single nucleotide variant.
Coding change: c.13904T>C on transcript NM_003922.4 (MANE Select); coding-DNA position 13904, T replaced by C.
Protein change: p.Ile4635Thr; replaces isoleucine 4635 with threonine.
Molecular consequence: missense variant.
Genome position (GRCh38, 1-based): chr15:63,616,467, A>G on the plus strand (T>C on the coding strand, the complement: HERC1 is on the minus strand). VCF-style: chr15-63616467-A-G. GRCh37 (hg19) VCF-style: chr15-63908666-A-G.
Other names: c.13904T>C (NM_003922.3); short protein forms I4635T.
Identifiers: ClinVar variation 1947937 (VCV001947937.3), dbSNP rs374269292, ClinGen allele CA7603627.